The following is an entry in ClinVar:

NM_002185.5(IL7R):c.1367A>G (p.Tyr456Cys)

Gene: IL7R (interleukin 7 receptor; plus strand). Cytogenetic location: 5p13.2.
Variant type: single nucleotide variant.
Coding change: c.1367A>G on transcript NM_002185.5 (MANE Select); coding-DNA position 1367, A replaced by G.
Protein change: p.Tyr456Cys; replaces tyrosine 456 with cysteine.
Molecular consequence: missense variant. On other transcripts: non-coding transcript variant (1).
Genome position (GRCh38, 1-based): chr5:35,876,473, A>G. VCF-style: chr5-35876473-A-G. GRCh37 (hg19) VCF-style: chr5-35876575-A-G.
Other names: short protein forms Y456C.
Identifiers: ClinVar variation 1369228 (VCV001369228.8), dbSNP rs1580865092, ClinGen allele CA359434047.

ClinVar aggregate classification (germline): Uncertain significance (1 of 4 stars; one submission).

Conditions:
Immunodeficiency 104. Also called: Severe combined immunodeficiency, autosomal recessive, T cell-negative, B cell-positive, NK cell-positive; Severe Combined Immune Deficiency, Autosomal Recessive, TCell -Negative, B Cell-Positive, NK Cell-Positive, IL7R-Related; IMMUNODEFICIENCY 104, SEVERE COMBINED; SCID, AUTOSOMAL RECESSIVE, T CELL-NEGATIVE, B CELL-POSITIVE, NK CELL-POSITIVE. Identifiers: MedGen C5676890, MONDO:0012163, OMIM 608971.

Submission:

Labcorp Genetics (formerly Invitae), Labcorp
Classification: Uncertain significance for Immunodeficiency 104. Last evaluated: 2021-07-22. Review status: criteria provided, single submitter. Criteria: Invitae Variant Classification Sherloc (09022015). Collection method: clinical testing. Allele origin: germline.
Comment: In summary, the available evidence is currently insufficient to determine the role of this variant in disease. Therefore, it has been classified as a Variant of Uncertain Significance. Algorithms developed to predict the effect of missense changes on protein structure and function are either unavailable or do not agree on the potential impact of this missense change (SIFT: "Deleterious"; PolyPhen-2: "Benign"; Align-GVGD: "Class C65"). This variant has not been reported in the literature in individuals affected with IL7R-related conditions. This variant is not present in population databases (ExAC no frequency). This sequence change replaces tyrosine with cysteine at codon 456 of the IL7R protein (p.Tyr456Cys). The tyrosine residue is highly conserved and there is a large physicochemical difference between tyrosine and cysteine.